The following is an entry in ClinVar:

ClinVar aggregate classification (germline): Uncertain significance (1 of 4 stars; one submission).

Submission:

Women's Health and Genetics/Laboratory Corporation of America, LabCorp
Classification: Uncertain significance. Last evaluated: 2024-03-15. Review status: criteria provided, single submitter. Criteria: LabCorp Variant Classification Summary - May 2015. Collection method: clinical testing. Allele origin: germline.
Comment: Variant summary: NPHS1 c.2223_2228delinsTATCCA (p.Arg743His) results in a non-conservative amino acid change in the encoded protein sequence. Three of five in-silico tools predict a benign effect of the variant on protein function. The variant was absent in 251458 control chromosomes. The available data on variant occurrences in the general population are insufficient to allow any conclusion about variant significance. To our knowledge, no occurrence of c.2223_2228delinsTATCCA in individuals affected with Nephrotic Syndrome, Type 1 and no experimental evidence demonstrating its impact on protein function have been reported. No submitters have cited clinical-significance assessments for this variant to ClinVar. Based on the evidence outlined above, the variant was classified as uncertain significance.

NM_004646.4(NPHS1):c.2223_2228delinsTATCCA (p.Arg743His)

Gene: NPHS1 (NPHS1 adhesion molecule, nephrin; minus strand). Cytogenetic location: 19q13.12.
Variant type: Indel.
Coding change: c.2223_2228delinsTATCCA on transcript NM_004646.4 (MANE Select); coding-DNA positions 2223 to 2228, CATCCG replaced by TATCCA.
Protein change: p.Arg743His; replaces arginine 743 with histidine.
Molecular consequence: missense variant.
Genome position (GRCh38, 1-based): chr19:35,843,578-35,843,583, CGGATG replaced by TGGATA on the plus strand (CATCCG replaced by TATCCA on the coding strand, the reverse complement: NPHS1 is on the minus strand). VCF-style: chr19-35843578-CGGATG-TGGATA. GRCh37 (hg19) VCF-style: chr19-36334480-CGGATG-TGGATA.
Other names: short protein forms R743H.
Identifiers: ClinVar variation 3233925 (VCV003233925.2), dbSNP rs2513770585, ClinGen allele CA2825002761.